The following is an entry in ClinVar:

ClinVar aggregate classification (germline): Likely pathogenic (1 of 4 stars; one submission).

Conditions:
Nephronophthisis-like nephropathy 1 (NPHPL1). Identifiers: Orphanet 655, MedGen C3150419, MONDO:0013163, OMIM 613159.

gnomAD v4.1: 8 of 1,613,928 alleles (0.0005%); highest among the groups gnomAD compares: African/African-American, 0.0027%; no homozygotes.

Submission:

Diagnostics Services (NGS), CSIR - Centre For Cellular And Molecular Biology
Classification: Likely pathogenic for Nephronophthisis-like nephropathy 1. Last evaluated: 2024-11-01. Review status: criteria provided, single submitter. Criteria: ACMG Guidelines, 2015. Collection method: clinical testing. Allele origin: unknown. Affected: no. Observed: 1 variant allele, 1 heterozygote.
Comment: The c.499C>T variant is not present in publicly available population databases like 1000 Genomes, EVS, Indian Exome Database or our in-house exome database. The variant is present in gnomAD and ExAC at low frequencies. This variant has neither been published in the literature in individuals affected with XPNPEP3-related conditions nor reported to clinical databases like ClinVar, Human Genome Mutation Database (HGMD) or OMIM. In-silico pathogenicity prediction programs like MutationTaster2, CADD, Varsome, Franklin, etc predicted this variant to be likely deleterious. This variant creates a premature translational stop signal at the 167th position of the wild-type transcript that may either result in translation of a truncated protein or cause nonsense mediated decay of the mRNA.

NM_022098.4(XPNPEP3):c.499C>T (p.Arg167Ter)

Gene: XPNPEP3 (X-prolyl aminopeptidase 3; plus strand). Cytogenetic location: 22q13.2.
Variant type: single nucleotide variant.
Coding change: c.499C>T on transcript NM_022098.4 (MANE Select); coding-DNA position 499, C replaced by T.
Protein change: p.Arg167Ter; replaces arginine 167 with a stop codon.
Molecular consequence: nonsense.
Genome position (GRCh38, 1-based): chr22:40,882,087, C>T. VCF-style: chr22-40882087-C-T. GRCh37 (hg19) VCF-style: chr22-41278091-C-T.
Other names: short protein forms R167*.
Identifiers: ClinVar variation 3383357 (VCV003383357.1).
Genomic context (GRCh38, chr22:40,882,087, plus strand): 5'-CACAAAGCCATACTTTTTGTGCCTCGGCGAGATCCCAGTCGAGAACTTTGGGATGGTCCG[C>T]GATCTGGCACTGATGGAGCAATAGCTCTAACTGGAGTAGACGAAGCCTATACGCTAGAAG-3'